The following is an entry in ClinVar:

ClinVar aggregate classification (germline): Uncertain significance (1 of 4 stars; one submission).

Conditions:
Diamond-Blackfan anemia. Also called: Blackfan Diamond syndrome; Aregenerative anemia chronic congenital; Red cell aplasia, pure hereditary; Congenital hypoplastic anemia; Aase syndrome. Identifiers: Orphanet 124, MedGen C1260899, MeSH D029503, MONDO:0015253, HP:0004810.

Submission:

Labcorp Genetics (formerly Invitae), Labcorp
Classification: Uncertain significance for Diamond-Blackfan anemia. Last evaluated: 2025-02-15. Review status: criteria provided, single submitter. Criteria: Invitae Variant Classification Sherloc (09022015). Collection method: clinical testing. Allele origin: germline.
Comment: This sequence change replaces lysine, which is basic and polar, with arginine, which is basic and polar, at codon 103 of the RPL26 protein (p.Lys103Arg). This variant is not present in population databases (gnomAD no frequency). This variant has not been reported in the literature in individuals affected with RPL26-related conditions. An algorithm developed to predict the effect of missense changes on protein structure and function (PolyPhen-2) suggests that this variant is likely to be tolerated. In summary, the available evidence is currently insufficient to determine the role of this variant in disease. Therefore, it has been classified as a Variant of Uncertain Significance.

NM_000987.5(RPL26):c.308A>G (p.Lys103Arg)

Gene: RPL26 (ribosomal protein L26; minus strand). Cytogenetic location: 17p13.1.
Variant type: single nucleotide variant.
Coding change: c.308A>G on transcript NM_000987.5 (MANE Select); coding-DNA position 308, A replaced by G.
Protein change: p.Lys103Arg; replaces lysine 103 with arginine.
Molecular consequence: missense variant.
Genome position (GRCh38, 1-based): chr17:8,379,797, T>C on the plus strand (A>G on the coding strand, the complement: RPL26 is on the minus strand). VCF-style: chr17-8379797-T-C. GRCh37 (hg19) VCF-style: chr17-8283115-T-C.
Other names: c.308A>G, p.Lys103Arg (NM_001315530.2, NM_001315531.2); short protein forms K103R.
Identifiers: ClinVar variation 4701960 (VCV004701960.1).